The following is an entry in ClinVar:

ClinVar aggregate classification (germline): Benign/Likely benign. Review status: criteria provided, multiple submitters, no conflicts (2 of 4 stars). 7 submissions from 7 submitters: Benign (5); Likely benign (1). 1 of the submissions does not count toward it. Last evaluated 2025-12-27.

Conditions:
UBA1-related disorder. Also called: UBA1-related condition.
Infantile-onset X-linked spinal muscular atrophy. Also called: Spinal Muscular Atrophy, X-Linked Infantile; AMC, DISTAL, X-LINKED; ARTHROGRYPOSIS, X-LINKED, TYPE I; SPINAL MUSCULAR ATROPHY, X-LINKED LETHAL INFANTILE; Spinal muscular atrophy, X-linked 2. Identifiers: Orphanet 1145, MedGen C1844934, MONDO:0010532, OMIM 301830.

Allele frequency attached by ClinVar (database versions not stated): gnomAD exomes 0.00063 and 0.00170; ExAC 0.00219; 1000 Genomes Project 0.00397; 1000 Genomes Project 30x 0.00458; gnomAD 0.00636 and 0.00683; TOPMed 0.00722; ESP Exome Variant Server 0.00767.
gnomAD v4.1: 1,446 of 1,209,932 alleles (0.12%); highest among the groups gnomAD compares: African/African-American, 2.2%; 9 homozygotes.

Submissions (7):

Labcorp Genetics (formerly Invitae), Labcorp
Classification: Benign for Infantile-onset X-linked spinal muscular atrophy. Last evaluated: 2025-12-27. Review status: criteria provided, single submitter. Criteria: Invitae Variant Classification Sherloc (09022015). Collection method: clinical testing. Allele origin: germline.

Blueprint Genetics
Classification: Likely benign. Last evaluated: 2024-11-11. Review status: criteria provided, single submitter. Criteria: ACMG Guidelines, 2015. Collection method: clinical testing. Allele origin: germline.

Athena Diagnostics
Classification: Benign. Last evaluated: 2018-03-30. Review status: criteria provided, single submitter. Criteria: Athena Diagnostics Criteria. Collection method: clinical testing. Allele origin: germline.

GeneDx
Classification: Benign. Last evaluated: 2018-03-28. Review status: criteria provided, single submitter. Criteria: GeneDx Variant Classification (06012015). Collection method: clinical testing. Allele origin: germline. Affected: yes.
Comment: This variant is considered likely benign or benign based on one or more of the following criteria: it is a conservative change, it occurs at a poorly conserved position in the protein, it is predicted to be benign by multiple in silico algorithms, and/or has population frequency not consistent with disease.

Illumina Laboratory Services, Illumina
Classification: Benign for Infantile-onset X-linked spinal muscular atrophy. Last evaluated: 2018-01-13. Review status: criteria provided, single submitter. Criteria: ICSL Variant Classification Criteria 13 December 2019. Collection method: clinical testing. Allele origin: germline.
Comment: This variant was observed in the ICSL laboratory as part of a predisposition screen in an ostensibly healthy population. It had not been previously curated by ICSL or reported in the Human Gene Mutation Database (HGMD: prior to June 1st, 2018), and was therefore a candidate for classification through an automated scoring system. Utilizing variant allele frequency, disease prevalence and penetrance estimates, and inheritance mode, an automated score was calculated to assess if this variant is too frequent to cause the disease. Based on the score and internal cut-off values, a variant classified as benign is not then subjected to further curation. The score for this variant resulted in a classification of benign for this disease.

Breakthrough Genomics
Classification: Benign. Review status: criteria provided, single submitter. Criteria: ACMG Guidelines, 2015. Collection method: not provided. Allele origin: germline. Inheritance: Other. Affected: yes.

PreventionGenetics, part of Exact Sciences
Classification: Benign for UBA1-related condition. Last evaluated: 2019-07-15. Review status: no assertion criteria provided. Collection method: clinical testing. Allele origin: germline. Not counted in ClinVar's aggregate classification.
Comment: This variant is classified as benign based on ACMG/AMP sequence variant interpretation guidelines (Richards et al. 2015 PMID: 25741868, with internal and published modifications).

NM_003334.4(UBA1):c.2308A>C (p.Asn770His)

Gene: UBA1 (ubiquitin like modifier activating enzyme 1; plus strand). Cytogenetic location: Xp11.3.
Variant type: single nucleotide variant.
Coding change: c.2308A>C on transcript NM_003334.4 (MANE Select); coding-DNA position 2308, A replaced by C.
Protein change: p.Asn770His; replaces asparagine 770 with histidine.
Molecular consequence: missense variant.
Genome position (GRCh38, 1-based): chrX:47,211,069, A>C. VCF-style: chrX-47211069-A-C. GRCh37 (hg19) VCF-style: chrX-47070468-A-C.
Other names: c.2308A>C, p.Asn770His (NM_153280.3); short protein forms N770H.
Identifiers: ClinVar variation 368343 (VCV000368343.23), dbSNP rs143044923, ClinGen allele CA10396105.
Genomic context (GRCh38, chrX:47,211,069, plus strand): 5'-ACCCTTCCCTGCCCTGCCTTCTCCTAGCCCCTGCATCTGGACTATGTGATGGCTGCTGCC[A>C]ACCTGTTTGCCCAGACCTACGGGCTGACAGGCTCTCAGGACCGAGCTGCTGTGGCCACAT-3'
Protein context (NP_003325.2, residues 760-780): LHLDYVMAAA[Asn770His]LFAQTYGLTG